The following is an entry in ClinVar:

NM_172364.5(CACNA2D4):c.2030C>G (p.Pro677Arg)

Gene: CACNA2D4 (calcium voltage-gated channel auxiliary subunit alpha2delta 4; minus strand). Cytogenetic location: 12p13.33.
Variant type: single nucleotide variant.
Coding change: c.2030C>G on transcript NM_172364.5 (MANE Select); coding-DNA position 2030, C replaced by G.
Protein change: p.Pro677Arg; replaces proline 677 with arginine.
Molecular consequence: missense variant.
Genome position (GRCh38, 1-based): chr12:1,856,208, G>C on the plus strand (C>G on the coding strand, the complement: CACNA2D4 is on the minus strand). VCF-style: chr12-1856208-G-C. GRCh37 (hg19) VCF-style: chr12-1965374-G-C.
Other names: short protein forms P677R.
Identifiers: ClinVar variation 938993 (VCV000938993.10), dbSNP rs375447801, ClinGen allele CA6386878.

ClinVar aggregate classification (germline): Uncertain significance. Review status: criteria provided, multiple submitters, no conflicts (2 of 4 stars). 4 submissions from 4 submitters: Uncertain significance (4). Last evaluated 2025-09-17.

Conditions:
Inborn genetic diseases. Identifiers: MedGen C0950123, MeSH D030342.
Retinal cone dystrophy 4 (RCD4). Identifiers: Orphanet 1872, MedGen C1864849, MONDO:0012507, OMIM 610478.

Allele frequency attached by ClinVar (database versions not stated): ExAC 0.00004; gnomAD exomes 0.00005; gnomAD 0.00008 and 0.00009; TOPMed 0.00010; ESP Exome Variant Server 0.00016.
gnomAD v4.1: 142 of 1,614,028 alleles (0.0088%); highest among the groups gnomAD compares: Middle Eastern, 0.033%; no homozygotes.

Submissions (4):

Labcorp Genetics (formerly Invitae), Labcorp
Classification: Uncertain significance. Last evaluated: 2025-09-17. Review status: criteria provided, single submitter. Criteria: Invitae Variant Classification Sherloc (09022015). Collection method: clinical testing. Allele origin: germline.
Comment: This sequence change replaces proline, which is neutral and non-polar, with arginine, which is basic and polar, at codon 677 of the CACNA2D4 protein (p.Pro677Arg). This variant is present in population databases (rs375447801, gnomAD 0.01%). This variant has not been reported in the literature in individuals affected with CACNA2D4-related conditions. ClinVar contains an entry for this variant (Variation ID: 938993). An algorithm developed to predict the effect of missense changes on protein structure and function (PolyPhen-2) suggests that this variant is likely to be tolerated. In summary, the available evidence is currently insufficient to determine the role of this variant in disease. Therefore, it has been classified as a Variant of Uncertain Significance.

Blueprint Genetics
Classification: Uncertain significance. Last evaluated: 2024-06-14. Review status: criteria provided, single submitter. Criteria: ACMG Guidelines, 2015. Collection method: clinical testing. Allele origin: germline.

Ambry Genetics
Classification: Uncertain significance for Inborn genetic diseases. Last evaluated: 2022-06-03. Review status: criteria provided, single submitter. Criteria: Ambry Variant Classification Scheme 2023. Collection method: clinical testing. Allele origin: germline.

Department of Pathology and Laboratory Medicine, Sinai Health System
Classification: Uncertain significance for Retinal cone dystrophy 4. Last evaluated: 2021-09-17. Review status: criteria provided, single submitter. Criteria: ACMG Guidelines, 2015. Collection method: research. Allele origin: germline.